The following is an entry in ClinVar:

ClinVar aggregate classification (germline): Likely pathogenic (1 of 4 stars; one submission).

Conditions:
Infantile onset spinocerebellar ataxia (MTDPS7). Also called: OHAHA SYNDROME; SPINOCEREBELLAR ATAXIA, INFANTILE, WITH SENSORY NEUROPATHY; Mitochondrial DNA depletion syndrome 7 (hepatocerebral type); OPHTHALMOPLEGIA, HYPOTONIA, ATAXIA, HYPOACUSIS, AND ATHETOSIS. Identifiers: Orphanet 1186, MedGen C1849096, MONDO:0010060, OMIM 271245.

Submission:

Neuberg Centre For Genomic Medicine, NCGM
Classification: Likely pathogenic for Infantile onset spinocerebellar ataxia. Last evaluated: 2024-02-01. Review status: criteria provided, single submitter. Criteria: ACMG Guidelines, 2015. Collection method: clinical testing. Allele origin: germline. Inheritance: Autosomal recessive inheritance.
Comment: The stop gained c.595C>T(p.Arg199Ter) variant in TWNK gene has not been reported previously as a pathogenic variant nor as a benign variant, to our knowledge. The c.595C>T variant is absent in gnomAD Exomes. This variant has not been submitted to the ClinVar database. Computational evidence (MutationTaster - Disease causing) predict damaging effect on protein structure and function for this variant. The nucleotide change c.595C>T in TWNK is predicted as conserved by GERP++ and PhyloP across 100 vertebrates. This variant is predicted to cause loss of normal protein function through protein truncation. Loss of function variants have been previously reported to be disease causing. Additional functional studies are required to prove pathogenicity of the variant. For these reasons, this variant has been classified as Likely Pathogenic. In absence of another reportable variant in TWNK gene, the molecular diagnosis is not confirmed.

NM_021830.5(TWNK):c.595C>T (p.Arg199Ter)

Gene: TWNK (twinkle mtDNA helicase; plus strand). Cytogenetic location: 10q24.31.
Variant type: single nucleotide variant.
Coding change: c.595C>T on transcript NM_021830.5 (MANE Select); coding-DNA position 595, C replaced by T.
Protein change: p.Arg199Ter; replaces arginine 199 with a stop codon.
Molecular consequence: nonsense. On other transcripts: non-coding transcript variant (4), intron variant (3).
Genome position (GRCh38, 1-based): chr10:100,988,805, C>T. VCF-style: chr10-100988805-C-T. GRCh37 (hg19) VCF-style: chr10-102748562-C-T.
Other names: c.595C>T, p.Arg199Ter (NM_001163812.2); c.-119-839C>T (NM_001163814.2, NM_001163813.2); c.-57-901C>T (NM_001368275.1); short protein forms R199*.
Identifiers: ClinVar variation 3897973 (VCV003897973.1).
Genomic context (GRCh38, chr10:100,988,805, plus strand): 5'-ATGTTTGGCCTTACCAAGGTTACAGATGACACACTCAAGCGTTTCAGTGTGCGATATCTG[C>T]GACCTGCTCGCAGTCTTGTCTTCCCTTGGTTCTCCCCTGGGGGCTCAGGATTACGAGGCC-3'